The following is an entry in ClinVar:

ClinVar aggregate classification (germline): Likely pathogenic (1 of 4 stars; one submission).

Conditions:
Focal segmental glomerulosclerosis 7 (FSGS7). Identifiers: Orphanet 656, MedGen C4014925, MONDO:0014451, OMIM 616002.
Renal coloboma syndrome (PAPRS). Also called: PAPILLORENAL SYNDROME WITH MILD OCULAR ABNORMALITIES; PAPILLORENAL SYNDROME; CONGENITAL ANOMALIES OF THE KIDNEY AND URINARY TRACT WITH OR WITHOUT OCULAR ABNORMALITIES; CAKUT WITH OR WITHOUT OCULAR ABNORMALITIES; COLOBOMA OF OPTIC NERVE WITH RENAL DISEASE; OPTIC COLOBOMA, VESICOURETERAL REFLUX, AND RENAL ANOMALIES. Identifiers: Orphanet 1475, MedGen C1852759, MONDO:0007352, OMIM 120330.

Submission:

Labcorp Genetics (formerly Invitae), Labcorp
Classification: Likely pathogenic for Renal coloboma syndrome; Focal segmental glomerulosclerosis 7. Last evaluated: 2023-11-15. Review status: criteria provided, single submitter. Criteria: Invitae Variant Classification Sherloc (09022015). Collection method: clinical testing. Allele origin: germline.
Comment: This sequence change replaces glycine, which is neutral and non-polar, with arginine, which is basic and polar, at codon 24 of the PAX2 protein (p.Gly24Arg). This variant is not present in population databases (gnomAD no frequency). This missense change has been observed in individuals with papillorenal syndrome (PMID: 30773290; Invitae). It has also been observed to segregate with disease in related individuals. ClinVar contains an entry for this variant (Variation ID: 1479027). This variant disrupts the p.Gly24 amino acid residue in PAX2. Other variant(s) that disrupt this residue have been observed in individuals with PAX2-related conditions (PMID: 30348286, 35444690), which suggests that this may be a clinically significant amino acid residue. In summary, the currently available evidence indicates that the variant is pathogenic, but additional data are needed to prove that conclusively. Therefore, this variant has been classified as Likely Pathogenic.

Literature cited by the submitters: PubMed 30773290; PubMed 30348286; PubMed 35444690.

NM_000278.5(PAX2):c.70G>A (p.Gly24Arg)

Gene: PAX2 (paired box 2; plus strand). Cytogenetic location: 10q24.31.
Variant type: single nucleotide variant.
Coding change: c.70G>A on transcript NM_000278.5 (MANE Select); coding-DNA position 70, G replaced by A.
Protein change: p.Gly24Arg; replaces glycine 24 with arginine.
Molecular consequence: missense variant.
Genome position (GRCh38, 1-based): chr10:100,749,772, G>A. VCF-style: chr10-100749772-G-A. GRCh37 (hg19) VCF-style: chr10-102509529-G-A.
Other names: c.163G>A, p.Gly55Arg (NM_001304569.2); c.70G>A, p.Gly24Arg (NM_003987.5, NM_003988.5, NM_003989.5 and 1 more transcripts); short protein forms G55R, G24R.
Identifiers: ClinVar variation 1479027 (VCV001479027.6), dbSNP rs1845366198, ClinGen allele CA378257467.